The following is an entry in ClinVar:

NM_000286.3(PEX12):c.379A>T (p.Lys127Ter)

Gene: PEX12 (peroxisomal biogenesis factor 12; minus strand). Cytogenetic location: 17q12.
Variant type: single nucleotide variant.
Coding change: c.379A>T on transcript NM_000286.3 (MANE Select); coding-DNA position 379, A replaced by T.
Protein change: p.Lys127Ter; replaces lysine 127 with a stop codon.
Molecular consequence: nonsense.
Genome position (GRCh38, 1-based): chr17:35,577,339, T>A on the plus strand (A>T on the coding strand, the complement: PEX12 is on the minus strand). VCF-style: chr17-35577339-T-A. GRCh37 (hg19) VCF-style: chr17-33904358-T-A.
Other names: short protein forms K127*.
Identifiers: ClinVar variation 2011680 (VCV002011680.4), dbSNP rs2509170081, ClinGen allele CA399138258.

ClinVar aggregate classification (germline): Pathogenic (1 of 4 stars; one submission).

Conditions:
Peroxisome biogenesis disorder 3A (Zellweger). Also called: PEROXISOMAL BIOGENESIS DISORDER 3A (ZELLWEGER); Peroxisome biogenesis disorder 3A. Identifiers: Orphanet 912, MedGen C3553929, MONDO:0013927, OMIM 614859.

Allele frequency attached by ClinVar (database versions not stated): gnomAD exomes below 0.00001.
gnomAD v4.1: 1 of 1,614,140 alleles (0.000062%); highest among the groups gnomAD compares: Non-Finnish European, 0.000085%; no homozygotes.

Submission:

Labcorp Genetics (formerly Invitae), Labcorp
Classification: Pathogenic for Peroxisome biogenesis disorder 3A (Zellweger). Last evaluated: 2022-06-27. Review status: criteria provided, single submitter. Criteria: Invitae Variant Classification Sherloc (09022015). Collection method: clinical testing. Allele origin: germline.
Comment: This variant is not present in population databases (gnomAD no frequency). This variant has not been reported in the literature in individuals affected with PEX12-related conditions. For these reasons, this variant has been classified as Pathogenic. This sequence change creates a premature translational stop signal (p.Lys127*) in the PEX12 gene. It is expected to result in an absent or disrupted protein product. Loss-of-function variants in PEX12 are known to be pathogenic (PMID: 9090384, 9632816, 21031596).

Literature cited by the submitters: PubMed 9090384; PubMed 9632816; PubMed 21031596.